The following is an entry in ClinVar:

ClinVar aggregate classification (germline): Uncertain significance. Review status: criteria provided, multiple submitters, no conflicts (2 of 4 stars). 2 submissions from 2 submitters: Uncertain significance (2). Last evaluated 2025-10-26.

Conditions:
Cardiovascular phenotype. Identifiers: MedGen CN230736.

Submissions (2):

Labcorp Genetics (formerly Invitae), Labcorp
Classification: Uncertain significance. Last evaluated: 2025-10-26. Review status: criteria provided, single submitter. Criteria: Invitae Variant Classification Sherloc (09022015). Collection method: clinical testing. Allele origin: germline.
Comment: This sequence change replaces cysteine, which is neutral and slightly polar, with glycine, which is neutral and non-polar, at codon 140 of the ALPK3 protein (p.Cys140Gly). This variant is not present in population databases (gnomAD no frequency). This variant has not been reported in the literature in individuals affected with ALPK3-related conditions. ClinVar contains an entry for this variant (Variation ID: 3227480). An algorithm developed to predict the effect of missense changes on protein structure and function outputs the following: PolyPhen-2: "Benign". The glycine amino acid residue is found in multiple mammalian species, which suggests that this missense change does not adversely affect protein function. In summary, the available evidence is currently insufficient to determine the role of this variant in disease. Therefore, it has been classified as a Variant of Uncertain Significance.

Ambry Genetics
Classification: Uncertain significance for Cardiovascular phenotype. Last evaluated: 2023-10-05. Review status: criteria provided, single submitter. Criteria: Ambry Variant Classification Scheme 2023. Collection method: clinical testing. Allele origin: germline.
Comment: The p.C140G variant (also known as c.418T>G), located in coding exon 1 of the ALPK3 gene, results from a T to G substitution at nucleotide position 418. The cysteine at codon 140 is replaced by glycine, an amino acid with highly dissimilar properties. This amino acid position is conserved. In addition, this alteration is predicted to be tolerated by in silico analysis. Since supporting evidence is limited at this time, the clinical significance of this alteration remains unclear.

NC_000015.10:g.84817264T>G

Gene: ALPK3 (alpha kinase 3; plus strand). Cytogenetic location: 15q25.3.
Variant type: single nucleotide variant.
Genome position: GRCh38 VCF-style: chr15-84817264-T-G. GRCh37 (hg19) VCF-style: chr15-85360495-T-G.
Other names: short protein forms C140G.
Identifiers: ClinVar variation 3227480 (VCV003227480.2), dbSNP rs2505688696, ClinGen allele CA393368869.